The following is an entry in ClinVar:

ClinVar aggregate classification (germline): Uncertain significance. Review status: criteria provided, multiple submitters, no conflicts (2 of 4 stars). 3 submissions from 3 submitters: Uncertain significance (3). Last evaluated 2026-04-01.

Conditions:
FAM161A-related disorder. Also called: FAM161A-related condition.
Retinitis pigmentosa 28 (RP28). Identifiers: Orphanet 791, MedGen C1419614, MONDO:0011630, OMIM 606068.

Allele frequency attached by ClinVar (database versions not stated): gnomAD 0.00002; TOPMed 0.00002; gnomAD exomes 0.00004 and 0.00007; ExAC 0.00006.
gnomAD v4.1: 29 of 1,614,048 alleles (0.0018%); highest among the groups gnomAD compares: Admixed American, 0.032%; no homozygotes.

Submissions (3):

PreventionGenetics, part of Exact Sciences
Classification: Uncertain significance for FAM161A-related condition. Last evaluated: 2026-04-01. Review status: criteria provided, single submitter. Criteria: ACMG Guidelines, 2015. Collection method: clinical testing. Allele origin: germline.
Comment: The FAM161A c.1004G>A variant is predicted to result in the amino acid substitution p.Arg335Gln. To our knowledge, this variant has not been reported in the literature. This variant is reported in 0.045% of alleles in individuals of Latino descent in gnomAD. At this time, the clinical significance of this variant is uncertain due to the absence of conclusive functional and genetic evidence.

Labcorp Genetics (formerly Invitae), Labcorp
Classification: Uncertain significance. Last evaluated: 2024-12-09. Review status: criteria provided, single submitter. Criteria: Invitae Variant Classification Sherloc (09022015). Collection method: clinical testing. Allele origin: germline.
Comment: This sequence change replaces arginine, which is basic and polar, with glutamine, which is neutral and polar, at codon 335 of the FAM161A protein (p.Arg335Gln). This variant is present in population databases (rs755314585, gnomAD 0.04%). This variant has not been reported in the literature in individuals affected with FAM161A-related conditions. ClinVar contains an entry for this variant (Variation ID: 1415733). Invitae Evidence Modeling of protein sequence and biophysical properties (such as structural, functional, and spatial information, amino acid conservation, physicochemical variation, residue mobility, and thermodynamic stability) indicates that this missense variant is not expected to disrupt FAM161A protein function with a negative predictive value of 80%. In summary, the available evidence is currently insufficient to determine the role of this variant in disease. Therefore, it has been classified as a Variant of Uncertain Significance.

Fulgent Genetics
Classification: Uncertain significance for Retinitis pigmentosa 28. Last evaluated: 2021-12-09. Review status: criteria provided, single submitter. Criteria: ACMG Guidelines, 2015. Collection method: clinical testing. Allele origin: unknown.

NM_001201543.2(FAM161A):c.1004G>A (p.Arg335Gln)

Gene: FAM161A (FAM161 centrosomal protein A; minus strand). Cytogenetic location: 2p15.
Variant type: single nucleotide variant.
Coding change: c.1004G>A on transcript NM_001201543.2 (MANE Select); coding-DNA position 1004, G replaced by A.
Protein change: p.Arg335Gln; replaces arginine 335 with glutamine.
Molecular consequence: missense variant. On other transcripts: non-coding transcript variant (1).
Genome position (GRCh38, 1-based): chr2:61,840,000, C>T on the plus strand (G>A on the coding strand, the complement: FAM161A is on the minus strand). VCF-style: chr2-61840000-C-T. GRCh37 (hg19) VCF-style: chr2-62067135-C-T.
Other names: c.1004G>A, p.Arg335Gln (NM_032180.3); c.1004G>A (NM_001201543.1); short protein forms R335Q.
Identifiers: ClinVar variation 1415733 (VCV001415733.6), dbSNP rs755314585, ClinGen allele CA1679234.